The following is an entry in ClinVar:

ClinVar aggregate classification (germline): Uncertain significance (1 of 4 stars; one submission).

Conditions:
Ehlers-Danlos syndrome, classic type, 1 (EDSCL1). Also called: EHLERS-DANLOS SYNDROME, GRAVIS TYPE; EHLERS-DANLOS SYNDROME, SEVERE CLASSIC TYPE; Ehlers-Danlos syndrome, type 1; Ehlers-Danlos Syndrome, Classic Type, COL5A1-Related; EDS I. Identifiers: MedGen C0268335, MONDO:0019567, OMIM 130000.

gnomAD v4.1: 3 of 1,610,572 alleles (0.00019%); highest among the groups gnomAD compares: South Asian, 0.0022%; no homozygotes.

Submission:

Labcorp Genetics (formerly Invitae), Labcorp
Classification: Uncertain significance for Ehlers-Danlos syndrome, classic type, 1. Last evaluated: 2024-06-29. Review status: criteria provided, single submitter. Criteria: Invitae Variant Classification Sherloc (09022015). Collection method: clinical testing. Allele origin: germline.
Comment: This sequence change replaces proline, which is neutral and non-polar, with alanine, which is neutral and non-polar, at codon 1022 of the COL5A1 protein (p.Pro1022Ala). This variant is not present in population databases (gnomAD no frequency). This variant has not been reported in the literature in individuals affected with COL5A1-related conditions. Advanced modeling of protein sequence and biophysical properties (such as structural, functional, and spatial information, amino acid conservation, physicochemical variation, residue mobility, and thermodynamic stability) has been performed at Invitae for this missense variant, however the output from this modeling did not meet the statistical confidence thresholds required to predict the impact of this variant on COL5A1 protein function. In summary, the available evidence is currently insufficient to determine the role of this variant in disease. Therefore, it has been classified as a Variant of Uncertain Significance.

NM_000093.5(COL5A1):c.3064C>G (p.Pro1022Ala)

Gene: COL5A1 (collagen type V alpha 1 chain; plus strand). Cytogenetic location: 9q34.3.
Variant type: single nucleotide variant.
Coding change: c.3064C>G on transcript NM_000093.5 (MANE Select); coding-DNA position 3064, C replaced by G.
Protein change: p.Pro1022Ala; replaces proline 1022 with alanine.
Molecular consequence: missense variant.
Genome position (GRCh38, 1-based): chr9:134,802,945, C>G. VCF-style: chr9-134802945-C-G. GRCh37 (hg19) VCF-style: chr9-137694791-C-G.
Other names: c.3064C>G, p.Pro1022Ala (NM_001278074.1); short protein forms P1022A.
Identifiers: ClinVar variation 3681823 (VCV003681823.1).
Genomic context (GRCh38, chr9:134,802,945, plus strand): 5'-CAGGGTCCCACGGGAGAAACGGGCCCAATGGGTGAGCGTGGCCACCCTGGGCCCCCTGGA[C>G]CCCCCGGTGAACAGGGGCTTCCGGGCCTTGCTGGAAAAGAAGGGACGAAGGTGAGTTTCT-3'
Protein context (NP_000084.3, residues 1012-1032): GERGHPGPPG[Pro1022Ala]PGEQGLPGLA